The following is an entry in ClinVar:

NM_000397.4(CYBB):c.536G>A (p.Gly179Glu)

Gene: CYBB (cytochrome b-245 beta chain; plus strand). Cytogenetic location: Xp21.1.
Variant type: single nucleotide variant.
Coding change: c.536G>A on transcript NM_000397.4 (MANE Select); coding-DNA position 536, G replaced by A.
Protein change: p.Gly179Glu; replaces glycine 179 with glutamic acid.
Molecular consequence: missense variant.
Genome position (GRCh38, 1-based): chrX:37,796,003, G>A. VCF-style: chrX-37796003-G-A. GRCh37 (hg19) VCF-style: chrX-37655256-G-A.
Other names: short protein forms G179E.
Identifiers: ClinVar variation 2737186 (VCV002737186.4), dbSNP rs2519201935, ClinGen allele CA412975936.

ClinVar aggregate classification (germline): Conflicting classifications of pathogenicity. Review status: criteria provided, conflicting classifications (1 of 4 stars). 2 submissions from 2 submitters: Likely pathogenic (1); Uncertain significance (1). Last evaluated 2024-05-30.

Conditions:
Granulomatous disease, chronic, X-linked. Also called: GRANULOMATOUS DISEASE, CHRONIC, X-LINKED, SOMATIC MOSAIC; CYTOCHROME b-NEGATIVE GRANULOMATOUS DISEASE, CHRONIC, X-LINKED. Identifiers: Orphanet 379, MedGen C1844376, MONDO:0010600, OMIM 306400.

Submissions (2):

GeneDx
Classification: Uncertain significance. Last evaluated: 2024-05-30. Review status: criteria provided, single submitter. Criteria: GeneDx Variant Classification Process June 2021. Collection method: clinical testing. Allele origin: germline. Affected: yes.
Comment: Not observed at significant frequency in large population cohorts (gnomAD); In silico analysis supports that this missense variant has a deleterious effect on protein structure/function; This variant is associated with the following publications: (PMID: 20729109)

Labcorp Genetics (formerly Invitae), Labcorp
Classification: Likely pathogenic for Granulomatous disease, chronic, X-linked. Last evaluated: 2024-05-23. Review status: criteria provided, single submitter. Criteria: Invitae Variant Classification Sherloc (09022015). Collection method: clinical testing. Allele origin: germline.
Comment: This sequence change replaces glycine, which is neutral and non-polar, with glutamic acid, which is acidic and polar, at codon 179 of the CYBB protein (p.Gly179Glu). This variant is not present in population databases (gnomAD no frequency). This missense change has been observed in individuals with clinical features of chronic granulomatous disease (PMID: 20729109; Invitae). Advanced modeling of protein sequence and biophysical properties (such as structural, functional, and spatial information, amino acid conservation, physicochemical variation, residue mobility, and thermodynamic stability) performed at Invitae indicates that this missense variant is expected to disrupt CYBB protein function with a positive predictive value of 80%. This variant disrupts the p.Gly179 amino acid residue in CYBB. Other variant(s) that disrupt this residue have been determined to be pathogenic (PMID: 9794433, 35945378; Invitae). This suggests that this residue is clinically significant, and that variants that disrupt this residue are likely to be disease-causing. In summary, the currently available evidence indicates that the variant is pathogenic, but additional data are needed to prove that conclusively. Therefore, this variant has been classified as Likely Pathogenic.

Literature cited by the submitters: PubMed 20729109 (cited by Labcorp Genetics (formerly Invitae), Labcorp); PubMed 9794433 (cited by Labcorp Genetics (formerly Invitae), Labcorp); PubMed 35945378 (cited by Labcorp Genetics (formerly Invitae), Labcorp).